The following is an entry in ClinVar:

NM_152419.3(HGSNAT):c.376G>T (p.Glu126Ter)

Gene: HGSNAT (heparan-alpha-glucosaminide N-acetyltransferase; plus strand). Cytogenetic location: 8p11.21.
Variant type: single nucleotide variant.
Coding change: c.376G>T on transcript NM_152419.3 (MANE Select); coding-DNA position 376, G replaced by T.
Protein change: p.Glu126Ter; replaces glutamic acid 126 with a stop codon.
Molecular consequence: nonsense. On other transcripts: 5 prime UTR variant (1).
Genome position (GRCh38, 1-based): chr8:43,158,927, G>T. VCF-style: chr8-43158927-G-T. GRCh37 (hg19) VCF-style: chr8-43014070-G-T.
Other names: c.376G>T, p.Glu126Ter (NM_001363227.2, NM_001363228.2); c.-458G>T (NM_001363229.2); short protein forms E126*.
Identifiers: ClinVar variation 1073137 (VCV001073137.1), dbSNP rs1803180587, ClinGen allele CA371125331.

ClinVar aggregate classification (germline): Pathogenic (1 of 4 stars; one submission).

Conditions:
Mucopolysaccharidosis, MPS-III-C (MPS3C). Also called: MPS III C; Mucopolysaccharidosis type IIIC (Sanfilippo C); SANFILIPPO SYNDROME C; MUCOPOLYSACCHARIDOSIS, TYPE IIIC; mucopolysaccharidosis type 3C; MPS IIIC (Sanfilippo Syndrome Type C). Identifiers: Orphanet 581, Orphanet 79271, MedGen C0086649, MONDO:0009657, OMIM 252930.
Retinitis pigmentosa 73 (RP73). Identifiers: Orphanet 791, MedGen C4225287, MONDO:0014687, OMIM 616544.

gnomAD v4.1: 1 of 1,606,646 alleles (0.000062%); highest among the groups gnomAD compares: African/African-American, 0.0013%; no homozygotes.

Submission:

Labcorp Genetics (formerly Invitae), Labcorp
Classification: Pathogenic for Retinitis pigmentosa 73; Mucopolysaccharidosis, MPS-III-C. Last evaluated: 2020-01-31. Review status: criteria provided, single submitter. Criteria: Invitae Variant Classification Sherloc (09022015). Collection method: clinical testing. Allele origin: germline.
Comment: This sequence change creates a premature translational stop signal (p.Glu126*) in the HGSNAT gene. It is expected to result in an absent or disrupted protein product. This variant is not present in population databases (ExAC no frequency). This variant has not been reported in the literature in individuals with HGSNAT-related conditions. Loss-of-function variants in HGSNAT are known to be pathogenic (PMID: 17033958, 19479962). For these reasons, this variant has been classified as Pathogenic.

Literature cited by the submitters: PubMed 17033958; PubMed 19479962.